The following is an entry in ClinVar:

ClinVar aggregate classification (germline): Uncertain significance (1 of 4 stars; one submission).

Conditions:
Premature ovarian failure 5 (POF5). Identifiers: MedGen C1969060, MONDO:0012689, OMIM 611548.

Submission:

OLLIN Analises Genomicas, OLLIN
Classification: Uncertain significance for Premature ovarian failure 5. Last evaluated: 2026-08-06. Review status: criteria provided, single submitter. Criteria: ACMG Guidelines 2015 PMID 25741868. Collection method: clinical testing. Allele origin: germline.
Comment: This frameshift variant, located in exon 8 (of 8), is absent from gnomAD and ClinVar and has not been identified in the literature. This variant causes a frameshift and introduces a premature stop codon, which is predicted to result in either a truncated protein or degradation of the mRNA via nonsense-mediated decay (NMD). According to the currently available evidence, this variant has been classified as uncertain significance (PVS1_M, PM2_P).

NM_001436401.1(NOBOX):c.1585_1586dup (p.Trp530fs)

Gene: NOBOX (NOBOX oogenesis homeobox; minus strand). Cytogenetic location: 7q35.
Variant type: Microsatellite.
Coding change: c.1585_1586dup on transcript NM_001436401.1 (MANE Select); coding-DNA positions 1585 to 1586, 2 bases duplicated (TC; older notation c.1585_1586dupTC).
Protein change: p.Trp530fs; shifts the reading frame from tryptophan 530.
Molecular consequence: frameshift variant.
Genome position (GRCh38, 1-based): chr7:144,397,379-144,397,380, GA duplicated on the plus strand (TC on the coding strand, the reverse complement: NOBOX is on the minus strand); duplicating any 2 consecutive bases within chr7:144,397,379-144,397,385 gives the same sequence; the c. name uses the placement nearest the transcript's 3' end. VCF-style (leftmost placement, unchanged base first): chr7-144397378-T-TGA. GRCh37 (hg19) VCF-style: chr7-144094471-T-TGA.
Other names: c.1033_1034dup, p.Trp346fs (NM_001436402.1); short protein forms W530fs, W346fs.
Identifiers: ClinVar variation 5002909 (VCV005002909.1).